The following is an entry in ClinVar:

ClinVar aggregate classification (germline): Uncertain significance (1 of 4 stars; one submission).

Allele frequency attached by ClinVar (database versions not stated): gnomAD exomes 0.00001; ExAC 0.00002.
gnomAD v4.1: 13 of 1,614,252 alleles (0.00081%); highest among the groups gnomAD compares: Non-Finnish European, 0.0011%; no homozygotes.

Submission:

Women's Health and Genetics/Laboratory Corporation of America, LabCorp
Classification: Uncertain significance. Last evaluated: 2024-04-24. Review status: criteria provided, single submitter. Criteria: LabCorp Variant Classification Summary - May 2015. Collection method: clinical testing. Allele origin: germline.
Comment: Variant summary: SLC12A3 c.1058G>C (p.Gly353Ala) results in a non-conservative amino acid change located in the amino acid permease/ SLC12A domain (IPR004841) of the encoded protein sequence. Five of five in-silico tools predict a damaging effect of the variant on protein function. The variant allele was found at a frequency of 8e-06 in 251450 control chromosomes. The available data on variant occurrences in the general population are insufficient to allow any conclusion about variant significance. To our knowledge, no occurrence of c.1058G>C in individuals affected with Familial Hypokalemia-Hypomagnesemia and no experimental evidence demonstrating its impact on protein function have been reported. No submitters have cited clinical-significance assessments for this variant to ClinVar. Based on the evidence outlined above, the variant was classified as uncertain significance.

NM_001126108.2(SLC12A3):c.1058G>C (p.Gly353Ala)

Gene: SLC12A3 (solute carrier family 12 member 3; plus strand). Cytogenetic location: 16q13.
Variant type: single nucleotide variant.
Coding change: c.1058G>C on transcript NM_001126108.2 (MANE Select); coding-DNA position 1058, G replaced by C.
Protein change: p.Gly353Ala; replaces glycine 353 with alanine.
Molecular consequence: missense variant.
Genome position (GRCh38, 1-based): chr16:56,872,749, G>C. VCF-style: chr16-56872749-G-C. GRCh37 (hg19) VCF-style: chr16-56906661-G-C.
Other names: c.1058G>C, p.Gly353Ala (NM_000339.3); c.1055G>C, p.Gly352Ala (NM_001126107.2, NM_001410896.1); short protein forms G352A, G353A.
Identifiers: ClinVar variation 3251710 (VCV003251710.1), dbSNP rs777162601.